The following is an entry in ClinVar:

ClinVar aggregate classification (germline): Uncertain significance (1 of 4 stars; one submission).

Conditions:
Primary dilated cardiomyopathy (DCM). Also called: Dilated Cardiomyopathy. Identifiers: Orphanet 217604, MedGen C0007193, MeSH D002311, MONDO:0005021, HP:0001644. Inheritance: Various modes of inheritance.
Hypertrophic cardiomyopathy. Also called: HYPERTROPHIC MYOCARDIOPATHY. Identifiers: Orphanet 217569, MedGen C0007194, MeSH D002312, MONDO:0005045, HP:0001639.
Dilated cardiomyopathy 1AA (CMD1AA). Also called: Cardiomyopathy, dilated, 1AA, with or without LVNC; CARDIOMYOPATHY, DILATED, 1AA, WITH OR WITHOUT LEFT VENTRICULAR NONCOMPACTION; CARDIOMYOPATHY, FAMILIAL HYPERTROPHIC, 23, WITH OR WITHOUT LEFT VENTRICULAR NONCOMPACTION. Identifiers: Orphanet 154, MedGen C2677338, MONDO:0012808, OMIM 612158.
Primary familial hypertrophic cardiomyopathy (HCM). Identifiers: Orphanet 99739, MedGen C0949658, MeSH D024741, MONDO:0024573. Inheritance: Various modes of inheritance.

Allele frequency attached by ClinVar (database versions not stated): gnomAD exomes 0.00001.
gnomAD v4.1: 14 of 1,613,448 alleles (0.00087%); highest among the groups gnomAD compares: Non-Finnish European, 0.0012%; no homozygotes.

Submission:

Labcorp Genetics (formerly Invitae), Labcorp
Classification: Uncertain significance for Primary familial hypertrophic cardiomyopathy; Dilated cardiomyopathy 1AA. Last evaluated: 2025-04-17. Review status: criteria provided, single submitter. Criteria: Invitae Variant Classification Sherloc (09022015). Collection method: clinical testing. Allele origin: germline.
Comment: This sequence change replaces glutamine, which is neutral and polar, with leucine, which is neutral and non-polar, at codon 144 of the ACTN2 protein (p.Gln144Leu). This variant is not present in population databases (gnomAD no frequency). This variant has not been reported in the literature in individuals affected with ACTN2-related conditions. ClinVar contains an entry for this variant (Variation ID: 684560). Invitae Evidence Modeling of protein sequence and biophysical properties (such as structural, functional, and spatial information, amino acid conservation, physicochemical variation, residue mobility, and thermodynamic stability) indicates that this missense variant is expected to disrupt ACTN2 protein function with a positive predictive value of 80%. In summary, the available evidence is currently insufficient to determine the role of this variant in disease. Therefore, it has been classified as a Variant of Uncertain Significance.

NM_001103.4(ACTN2):c.431A>T (p.Gln144Leu)

Gene: ACTN2 (actinin alpha 2; plus strand). Cytogenetic location: 1q43.
Variant type: single nucleotide variant.
Coding change: c.431A>T on transcript NM_001103.4 (MANE Select); coding-DNA position 431, A replaced by T.
Protein change: p.Gln144Leu; replaces glutamine 144 with leucine.
Molecular consequence: missense variant. On other transcripts: 5 prime UTR variant (1).
Genome position (GRCh38, 1-based): chr1:236,720,174, A>T. VCF-style: chr1-236720174-A-T. GRCh37 (hg19) VCF-style: chr1-236883474-A-T.
Other names: c.431A>T, p.Gln144Leu (NM_001278343.2); c.-391A>T (NM_001278344.2); short protein forms Q144L.
Identifiers: ClinVar variation 684560 (VCV000684560.4), dbSNP rs1572114671, ClinGen allele CA345374164.